The following is an entry in ClinVar:

NM_006949.4(STXBP2):c.1059T>G (p.Cys353Trp)

Gene: STXBP2 (syntaxin binding protein 2; plus strand). Cytogenetic location: 19p13.2.
Variant type: single nucleotide variant.
Coding change: c.1059T>G on transcript NM_006949.4 (MANE Select); coding-DNA position 1059, T replaced by G.
Protein change: p.Cys353Trp; replaces cysteine 353 with tryptophan.
Molecular consequence: missense variant.
Genome position (GRCh38, 1-based): chr19:7,643,197, T>G. VCF-style: chr19-7643197-T-G. GRCh37 (hg19) VCF-style: chr19-7708083-T-G.
Other names: c.1059T>G (NM_006949.3); c.1050T>G, p.Cys350Trp (NM_001127396.3); c.1092T>G, p.Cys364Trp (NM_001272034.2); short protein forms C350W, C353W, C364W.
Identifiers: ClinVar variation 1390985 (VCV001390985.6), dbSNP rs1234333766, ClinGen allele CA403160859.
Genomic context (GRCh38, chr19:7,643,197, plus strand): 5'-CCCCCAACCCCCACCCTGCACCCTGCAGTATTCTACGCACCTGCATCTAGCAGATGATTG[T>G]ATGAAGCACTTCAAGGGCTCGGTGGAGAAGCTGTGTAGTGTGGAGCAGGTGGGGCAGGGC-3'
Protein context (NP_008880.2, residues 343-363): YSTHLHLADD[Cys353Trp]MKHFKGSVEK

ClinVar aggregate classification (germline): Uncertain significance. Review status: criteria provided, multiple submitters, no conflicts (2 of 4 stars). 2 submissions from 2 submitters: Uncertain significance (2). Last evaluated 2026-05-14.

Conditions:
Familial hemophagocytic lymphohistiocytosis 5. Also called: STXBP2-Related Familial Hemophagocytic Lymphohistiocytosis (STXBP2-fHLH). Identifiers: Orphanet 540, MedGen C2751293, MONDO:0013135, OMIM 613101.

Submissions (2):

Undiagnosed Diseases Network, NIH
Classification: Uncertain significance for Familial hemophagocytic lymphohistiocytosis 5. Last evaluated: 2026-05-14. Review status: criteria provided, single submitter. Criteria: ACMG Guidelines, 2015. Collection method: clinical testing. Allele origin: paternal. Affected: yes. Observed: 1 variant allele, 1 compound heterozygote. Study: Undiagnosed Diseases Network (NIH), UDN.
Comment: This variant has not been observed in gnomAD. This variant has not been reported in individuals with STXBP2-related conditions in the medical literature. However, a different missense variant at the same amino acid residue (p.C353R) is reported in a patient with suspected HLH (PMID:32542393). In silico models support deleterious impact (CADD:23.2, SIFT: deleterious, PolyPhen: probably damaging, MutationTaster: deleterious).

Labcorp Genetics (formerly Invitae), Labcorp
Classification: Uncertain significance for Familial hemophagocytic lymphohistiocytosis 5. Last evaluated: 2021-08-26. Review status: criteria provided, single submitter. Criteria: Invitae Variant Classification Sherloc (09022015). Collection method: clinical testing. Allele origin: germline.
Comment: This sequence change replaces cysteine with tryptophan at codon 353 of the STXBP2 protein (p.Cys353Trp). The cysteine residue is highly conserved and there is a large physicochemical difference between cysteine and tryptophan. This variant is not present in population databases (ExAC no frequency). This variant has not been reported in the literature in individuals affected with STXBP2-related conditions. Algorithms developed to predict the effect of missense changes on protein structure and function (SIFT, PolyPhen-2, Align-GVGD) all suggest that this variant is likely to be disruptive. In summary, the available evidence is currently insufficient to determine the role of this variant in disease. Therefore, it has been classified as a Variant of Uncertain Significance.

Literature cited by the submitters: PubMed 32542393 (cited by Undiagnosed Diseases Network, NIH).